The following is an entry in ClinVar:

NM_144596.4(TTC8):c.362G>A (p.Gly121Asp)

Gene: TTC8 (tetratricopeptide repeat domain 8; plus strand). Cytogenetic location: 14q31.3.
Variant type: single nucleotide variant.
Coding change: c.362G>A on transcript NM_144596.4 (MANE Select); coding-DNA position 362, G replaced by A.
Protein change: p.Gly121Asp; replaces glycine 121 with aspartic acid.
Molecular consequence: missense variant. On other transcripts: 5 prime UTR variant (2), non-coding transcript variant (1).
Genome position (GRCh38, 1-based): chr14:88,841,069, G>A. VCF-style: chr14-88841069-G-A. GRCh37 (hg19) VCF-style: chr14-89307413-G-A.
Other names: c.332G>A, p.Gly111Asp (NM_001288781.1, NM_001366535.2, NM_001366536.2 and 2 more transcripts); c.-231G>A (NM_001288782.1); c.-326G>A (NM_001288783.1); c.362G>A (NM_144596.3); short protein forms G111D, G121D.
Identifiers: ClinVar variation 4835743 (VCV004835743.2).
Genomic context (GRCh38, chr14:88,841,069, plus strand): 5'-GTATTATAACAATTTATAATCTTCACAGGCCAATCACACAAGCTGGAAGACCCATTACAG[G>A]TTTCCTCAGGCCCAGCACGCAGAGTGGAAGGCCAGGCACTATGGAACAGGCTATCAGAAC-3'
Protein context (NP_653197.2, residues 111-131): PITQAGRPIT[Gly121Asp]FLRPSTQSGR

ClinVar aggregate classification (germline): Uncertain significance. Review status: criteria provided, multiple submitters, no conflicts (2 of 4 stars). 2 submissions from 2 submitters: Uncertain significance (2). Last evaluated 2026-07-17.

Conditions:
TTC8-related disorder. Also called: TTC8-related condition.
Inborn genetic diseases. Identifiers: MedGen C0950123, MeSH D030342.

Submissions (2):

PreventionGenetics, part of Exact Sciences
Classification: Uncertain significance for TTC8-related condition. Last evaluated: 2026-07-17. Review status: criteria provided, single submitter. Criteria: ACMG Guidelines, 2015. Collection method: clinical testing. Allele origin: germline.
Comment: The TTC8 c.362G>A variant is predicted to result in the amino acid substitution p.Gly121Asp. To our knowledge, this variant has not been reported in the literature or in a large population database (gnomAD), indicating this variant is rare. At this time, the clinical significance of this variant is uncertain due to the absence of conclusive functional and genetic evidence.

Ambry Genetics
Classification: Uncertain significance for Inborn genetic diseases. Last evaluated: 2025-12-16. Review status: criteria provided, single submitter. Criteria: Ambry Variant Classification Scheme 2023. Collection method: clinical testing. Allele origin: germline.